The following is an entry in ClinVar:

NM_000038.6(APC):c.2602G>A (p.Glu868Lys)

Gene: APC (APC regulator of Wnt signaling pathway; plus strand). Cytogenetic location: 5q22.2.
Variant type: single nucleotide variant.
Coding change: c.2602G>A on transcript NM_000038.6 (MANE Select); coding-DNA position 2602, G replaced by A.
Protein change: p.Glu868Lys; replaces glutamic acid 868 with lysine.
Molecular consequence: missense variant. On other transcripts: non-coding transcript variant (2).
Genome position (GRCh38, 1-based): chr5:112,838,196, G>A. VCF-style: chr5-112838196-G-A. GRCh37 (hg19) VCF-style: chr5-112173893-G-A.
Other names: c.2602G>A, p.Glu868Lys (NM_001127510.3, NM_001354895.2, NM_001407450.1); c.2548G>A, p.Glu850Lys (NM_001127511.3); c.2656G>A, p.Glu886Lys (NM_001354896.2, NM_001407447.1, NM_001407448.1 and 1 more transcripts); c.2632G>A, p.Glu878Lys (NM_001354897.2); c.2527G>A, p.Glu843Lys (NM_001354898.2); c.2518G>A, p.Glu840Lys (NM_001354899.2); c.2479G>A, p.Glu827Lys (NM_001354900.2); c.2425G>A, p.Glu809Lys (NM_001354901.2, NM_001407453.1); and 11 more; short protein forms E484K, E739K, E742K, E858K, E868K, E886K, E708K, E809K.
Identifiers: ClinVar variation 2567058 (VCV002567058.2), dbSNP rs2149873408, ClinGen allele CA16027024.

ClinVar aggregate classification (germline): Uncertain significance (1 of 4 stars; one submission).

Conditions:
Hereditary cancer-predisposing syndrome. Also called: Hereditary neoplastic syndrome; Hereditary Cancer Syndrome; Neoplastic Syndromes, Hereditary; Tumor predisposition. Identifiers: Orphanet 140162, MedGen C0027672, MeSH D009386, MONDO:0015356.

Submission:

Ambry Genetics
Classification: Uncertain significance for Hereditary cancer-predisposing syndrome. Last evaluated: 2023-06-14. Review status: criteria provided, single submitter. Criteria: Ambry Variant Classification Scheme 2023. Collection method: clinical testing. Allele origin: germline.
Comment: The p.E868K variant (also known as c.2602G>A), located in coding exon 15 of the APC gene, results from a G to A substitution at nucleotide position 2602. The glutamic acid at codon 868 is replaced by lysine, an amino acid with similar properties. This amino acid position is well conserved in available vertebrate species. In addition, in silico predictors for this gene do not accurately predict pathogenicity. Since supporting evidence is limited at this time, the clinical significance of this alteration remains unclear.